The following is an entry in ClinVar:

ClinVar aggregate classification (germline): Uncertain significance (1 of 4 stars; one submission).

gnomAD v4.1: 1 of 1,483,100 alleles (0.000067%); highest among the groups gnomAD compares: Admixed American, 0.0024%; no homozygotes.

Submission:

Labcorp Genetics (formerly Invitae), Labcorp
Classification: Uncertain significance. Last evaluated: 2022-03-12. Review status: criteria provided, single submitter. Criteria: Invitae Variant Classification Sherloc (09022015). Collection method: clinical testing. Allele origin: germline.
Comment: This sequence change replaces glycine, which is neutral and non-polar, with arginine, which is basic and polar, at codon 51 of the NDUFAF6 protein (p.Gly51Arg). This variant is not present in population databases (gnomAD no frequency). This variant has not been reported in the literature in individuals affected with NDUFAF6-related conditions. Algorithms developed to predict the effect of missense changes on protein structure and function (SIFT, PolyPhen-2, Align-GVGD) all suggest that this variant is likely to be tolerated. In summary, the available evidence is currently insufficient to determine the role of this variant in disease. Therefore, it has been classified as a Variant of Uncertain Significance.

NM_152416.4(NDUFAF6):c.151G>A (p.Gly51Arg)

Genes: NDUFAF6 (NADH:ubiquinone oxidoreductase complex assembly factor 6; plus strand), LOC113788297 (Sharpr-MPRA regulatory region 2014; plus strand). Cytogenetic location: 8q22.1.
Variant type: single nucleotide variant.
Coding change: c.151G>A on transcript NM_152416.4 (MANE Select); coding-DNA position 151, G replaced by A.
Protein change: p.Gly51Arg; replaces glycine 51 with arginine.
Molecular consequence: missense variant. On other transcripts: 5 prime UTR variant (12), non-coding transcript variant (6), intron variant (7).
Genome position (GRCh38, 1-based): chr8:95,025,159, G>A. VCF-style: chr8-95025159-G-A. GRCh37 (hg19) VCF-style: chr8-96037387-G-A.
Other names: c.-130G>A (NM_001330582.2, NM_001354521.2); c.-83G>A (NM_001354517.2); c.-302G>A (NM_001354518.2); c.-298G>A (NM_001354519.2); c.-647G>A (NM_001354527.2); c.-618G>A (NM_001354528.2); c.-430G>A (NM_001354529.2); c.-532G>A (NM_001354530.2); and 8 more; short protein forms G51R.
Identifiers: ClinVar variation 1973440 (VCV001973440.5), dbSNP rs868345341, ClinGen allele CA181467247.